The following is an entry in ClinVar:

NM_004360.5(CDH1):c.363C>A (p.His121Gln)

Gene: CDH1 (cadherin 1; plus strand). Cytogenetic location: 16q22.1.
Variant type: single nucleotide variant.
Coding change: c.363C>A on transcript NM_004360.5 (MANE Select); coding-DNA position 363, C replaced by A.
Protein change: p.His121Gln; replaces histidine 121 with glutamine.
Molecular consequence: missense variant. On other transcripts: 5 prime UTR variant (2).
Genome position (GRCh38, 1-based): chr16:68,801,869, C>A. VCF-style: chr16-68801869-C-A. GRCh37 (hg19) VCF-style: chr16-68835772-C-A.
Other names: c.363C>A (LRG_301t1); c.363C>A, p.His121Gln (NM_001317184.2); c.-1253C>A (NM_001317185.2); c.-1457C>A (NM_001317186.2); short protein forms H121Q.
Identifiers: ClinVar variation 582514 (VCV000582514.13), dbSNP rs781427897, ClinGen allele CA8129833.

ClinVar aggregate classification (germline): Uncertain significance. Review status: reviewed by expert panel (3 of 4 stars). 3 submissions from 3 submitters: Uncertain significance (1). 2 of the submissions do not count toward it. Last evaluated 2023-08-21.

Conditions:
CDH1-related diffuse gastric and lobular breast cancer syndrome. Also called: CDH1-related diffuse gastric and lobular breast cancer. Identifiers: MedGen CN311521, MONDO:0100488.
Hereditary cancer-predisposing syndrome. Also called: Neoplastic Syndromes, Hereditary; Hereditary Cancer Syndrome; Tumor predisposition; Hereditary neoplastic syndrome. Identifiers: Orphanet 140162, MedGen C0027672, MeSH D009386, MONDO:0015356.
Hereditary diffuse gastric adenocarcinoma (HDGC). Also called: DIFFUSE GASTRIC AND LOBULAR BREAST CANCER SYNDROME. Identifiers: Orphanet 26106, MedGen C1708349, MONDO:0007648, OMIM 137215.

Allele frequency attached by ClinVar (database versions not stated): gnomAD exomes 0.00001; ExAC 0.00002.
gnomAD v4.1: 4 of 1,614,040 alleles (0.00025%); highest among the groups gnomAD compares: Non-Finnish European, 0.00034%; no homozygotes.

Submissions (3):

Clingen Gastric Cancer Variant Curation Expert Panel
Classification: Uncertain significance for CDH1-related diffuse gastric and lobular breast cancer syndrome. Last evaluated: 2023-08-21. Review status: reviewed by expert panel. Criteria: ClinGen CDH1 ACMG Specifications V3.1. Collection method: curation. Allele origin: germline. Inheritance: Autosomal dominant inheritance.
Comment: The c.363C>A variant is <1/50,000 alleles (0.002%, 2/113,262 alleles) in the non-Finnish European gnomAD subpopulation (PM2_Supporting). No additional evidence met criteria for consideration. Therefore, the clinical significance of this variant is uncertain. ACMG/AMP criteria applied, as specified by the CDH1 Variant Curation Expert Panel (Variant Interpretation Guidelines Version 3.1): PM2_Supporting.

Ambry Genetics
Classification: Likely benign for Hereditary cancer-predisposing syndrome. Last evaluated: 2025-11-10. Review status: criteria provided, single submitter. Criteria: Ambry Variant Classification Scheme 2023. Collection method: clinical testing. Allele origin: germline. Not counted in ClinVar's aggregate classification.

Labcorp Genetics (formerly Invitae), Labcorp
Classification: Uncertain significance for Hereditary diffuse gastric adenocarcinoma. Last evaluated: 2018-02-04. Review status: criteria provided, single submitter. Criteria: Invitae Variant Classification Sherloc (09022015). Collection method: clinical testing. Allele origin: germline. Not counted in ClinVar's aggregate classification.
Comment: This sequence change replaces histidine with glutamine at codon 121 of the CDH1 protein (p.His121Gln). The histidine residue is moderately conserved and there is a small physicochemical difference between histidine and glutamine. In summary, the available evidence is currently insufficient to determine the role of this variant in disease. Therefore, it has been classified as a Variant of Uncertain Significance. Algorithms developed to predict the effect of missense changes on protein structure and function output the following: SIFT: "Tolerated"; PolyPhen-2: "Benign"; Align-GVGD: "Class C0". The glutamine amino acid residue is found in multiple mammalian species, suggesting that this missense change does not adversely affect protein function. These predictions have not been confirmed by published functional studies and their clinical significance is uncertain. This variant has not been reported in the literature in individuals with CDH1-related disease. This variant is present in population databases (rs781427897, ExAC 0.003%).